The following is an entry in ClinVar:

ClinVar aggregate classification (germline): Conflicting classifications of pathogenicity. Review status: criteria provided, conflicting classifications (1 of 4 stars). 3 submissions from 3 submitters: Uncertain significance (2); Likely benign (1). Last evaluated 2025-10-20.

Conditions:
VAPB-related disorder. Also called: VAPB-related condition.
Amyotrophic lateral sclerosis type 8 (ALS8). Identifiers: Orphanet 803, MedGen C1837728, MONDO:0012077, OMIM 608627.
Adult-onset proximal spinal muscular atrophy, autosomal dominant. Also called: FINKEL LATE-ADULT TYPE SMA; Spinal muscular atrophy, late-onset, finkel type. Identifiers: Orphanet 209335, MedGen C1854058, MONDO:0008453, OMIM 182980.
Inborn genetic diseases. Identifiers: MedGen C0950123, MeSH D030342.

Allele frequency attached by ClinVar (database versions not stated): gnomAD exomes 0.00002 and 0.00004; ExAC 0.00003; gnomAD 0.00003; TOPMed 0.00005.
gnomAD v4.1: 36 of 1,613,762 alleles (0.0022%); highest among the groups gnomAD compares: Admixed American, 0.01%; no homozygotes.

Submissions (3):

PreventionGenetics, part of Exact Sciences
Classification: Uncertain significance for VAPB-related condition. Last evaluated: 2025-10-20. Review status: criteria provided, single submitter. Criteria: ACMG Guidelines, 2015. Collection method: clinical testing. Allele origin: germline.
Comment: The VAPB c.550C>T variant is predicted to result in the amino acid substitution p.Arg184Trp. This variant was reported in an individual with amyotrophic lateral sclerosis (supplementary data, Chen et al. 2022. PubMed ID: 34544842). However, this variant is reported in 0.011% of alleles in individuals of Latino descent in gnomAD, which may be too frequent to be a primary cause of disease. Although we suspect that this variant may be benign, at this time, the clinical significance of this variant is uncertain due to the absence of conclusive functional and genetic evidence.

Labcorp Genetics (formerly Invitae), Labcorp
Classification: Uncertain significance for Adult-onset proximal spinal muscular atrophy, autosomal dominant; Amyotrophic lateral sclerosis type 8. Last evaluated: 2025-02-03. Review status: criteria provided, single submitter. Criteria: Invitae Variant Classification Sherloc (09022015). Collection method: clinical testing. Allele origin: germline.
Comment: This sequence change replaces arginine, which is basic and polar, with tryptophan, which is neutral and slightly polar, at codon 184 of the VAPB protein (p.Arg184Trp). This variant is present in population databases (rs750394268, gnomAD 0.01%). This missense change has been observed in individual(s) with amyotrophic lateral sclerosis (internal data). ClinVar contains an entry for this variant (Variation ID: 1386746). Invitae Evidence Modeling of protein sequence and biophysical properties (such as structural, functional, and spatial information, amino acid conservation, physicochemical variation, residue mobility, and thermodynamic stability) has been performed for this missense variant. However, the output from this modeling did not meet the statistical confidence thresholds required to predict the impact of this variant on VAPB protein function. In summary, the available evidence is currently insufficient to determine the role of this variant in disease. Therefore, it has been classified as a Variant of Uncertain Significance.

Ambry Genetics
Classification: Likely benign for Inborn genetic diseases. Last evaluated: 2023-03-01. Review status: criteria provided, single submitter. Criteria: Ambry Variant Classification Scheme 2023. Collection method: clinical testing. Allele origin: germline.

NM_004738.5(VAPB):c.550C>T (p.Arg184Trp)

Gene: VAPB (VAMP associated protein B and C; plus strand). Cytogenetic location: 20q13.32.
Variant type: single nucleotide variant.
Coding change: c.550C>T on transcript NM_004738.5 (MANE Select); coding-DNA position 550, C replaced by T.
Protein change: p.Arg184Trp; replaces arginine 184 with tryptophan.
Molecular consequence: missense variant. On other transcripts: non-coding transcript variant (1), intron variant (1).
Genome position (GRCh38, 1-based): chr20:58,441,060, C>T. VCF-style: chr20-58441060-C-T. GRCh37 (hg19) VCF-style: chr20-57016116-C-T.
Other names: c.550C>T (NM_004738.4); c.212-3017C>T (NM_001195677.2); short protein forms R184W.
Identifiers: ClinVar variation 1386746 (VCV001386746.13), dbSNP rs750394268, ClinGen allele CA9924280.